The following is an entry in ClinVar:

NM_000554.6(CRX):c.57T>A (p.Ser19Arg)

Gene: CRX (cone-rod homeobox; plus strand). Cytogenetic location: 19q13.33.
Variant type: single nucleotide variant.
Coding change: c.57T>A on transcript NM_000554.6 (MANE Select); coding-DNA position 57, T replaced by A.
Protein change: p.Ser19Arg; replaces serine 19 with arginine.
Molecular consequence: missense variant.
Genome position (GRCh38, 1-based): chr19:47,834,500, T>A. VCF-style: chr19-47834500-T-A. GRCh37 (hg19) VCF-style: chr19-48337757-T-A.
Other names: short protein forms S19R.
Identifiers: ClinVar variation 3749821 (VCV003749821.2).

ClinVar aggregate classification (germline): Uncertain significance (1 of 4 stars; one submission).

Conditions:
Cone-rod dystrophy 2 (CORD2). Also called: CONE-ROD RETINAL DYSTROPHY; Cone-rod retinal dystrophy 2. Identifiers: Orphanet 1872, MedGen C3489532, MONDO:0007362, OMIM 120970.
Leber congenital amaurosis 7 (LCA7). Identifiers: Orphanet 65, MedGen C3151192, MONDO:0013449, OMIM 613829.

Submission:

Labcorp Genetics (formerly Invitae), Labcorp
Classification: Uncertain significance for Cone-rod dystrophy 2; Leber congenital amaurosis 7. Last evaluated: 2024-03-18. Review status: criteria provided, single submitter. Criteria: Invitae Variant Classification Sherloc (09022015). Collection method: clinical testing. Allele origin: germline.
Comment: This sequence change replaces serine, which is neutral and polar, with arginine, which is basic and polar, at codon 19 of the CRX protein (p.Ser19Arg). This variant is not present in population databases (gnomAD no frequency). This variant has not been reported in the literature in individuals affected with CRX-related conditions. Advanced modeling of protein sequence and biophysical properties (such as structural, functional, and spatial information, amino acid conservation, physicochemical variation, residue mobility, and thermodynamic stability) performed at Invitae indicates that this missense variant is not expected to disrupt CRX protein function with a negative predictive value of 80%. In summary, the available evidence is currently insufficient to determine the role of this variant in disease. Therefore, it has been classified as a Variant of Uncertain Significance.